The following is an entry in ClinVar:

ClinVar aggregate classification (germline): Uncertain significance (1 of 4 stars; one submission).

Allele frequency attached by ClinVar (database versions not stated): gnomAD exomes below 0.00001.
gnomAD v4.1: 1 of 1,611,794 alleles (0.000062%); highest among the groups gnomAD compares: Admixed American, 0.0017%; no homozygotes.

Submission:

Labcorp Genetics (formerly Invitae), Labcorp
Classification: Uncertain significance. Last evaluated: 2024-05-06. Review status: criteria provided, single submitter. Criteria: Invitae Variant Classification Sherloc (09022015). Collection method: clinical testing. Allele origin: germline.
Comment: This sequence change replaces isoleucine, which is neutral and non-polar, with phenylalanine, which is neutral and non-polar, at codon 64 of the PACS2 protein (p.Ile64Phe). This variant is not present in population databases (gnomAD no frequency). This variant has not been reported in the literature in individuals affected with PACS2-related conditions. ClinVar contains an entry for this variant (Variation ID: 2106927). An algorithm developed to predict the effect of missense changes on protein structure and function (PolyPhen-2) suggests that this variant is likely to be disruptive. In summary, the available evidence is currently insufficient to determine the role of this variant in disease. Therefore, it has been classified as a Variant of Uncertain Significance.

NM_001100913.3(PACS2):c.190A>T (p.Ile64Phe)

Gene: PACS2 (phosphofurin acidic cluster sorting protein 2; plus strand). Cytogenetic location: 14q32.33.
Variant type: single nucleotide variant.
Coding change: c.190A>T on transcript NM_001100913.3 (MANE Select); coding-DNA position 190, A replaced by T.
Protein change: p.Ile64Phe; replaces isoleucine 64 with phenylalanine.
Molecular consequence: missense variant. On other transcripts: 5 prime UTR variant (1).
Genome position (GRCh38, 1-based): chr14:105,348,563, A>T. VCF-style: chr14-105348563-A-T. GRCh37 (hg19) VCF-style: chr14-105814900-A-T.
Other names: c.-12A>T (NM_001243127.3); c.190A>T, p.Ile64Phe (NM_015197.4); short protein forms I64F.
Identifiers: ClinVar variation 2106927 (VCV002106927.4), dbSNP rs2060029865, ClinGen allele CA391198580.